The following is an entry in ClinVar:

ClinVar aggregate classification (germline): Likely pathogenic (1 of 4 stars; one submission).

Conditions:
Inborn genetic diseases. Identifiers: MedGen C0950123, MeSH D030342.

Submission:

Ambry Genetics
Classification: Likely pathogenic for Inborn genetic diseases. Last evaluated: 2020-09-25. Review status: criteria provided, single submitter. Criteria: Ambry Variant Classification Scheme 2023. Collection method: clinical testing. Allele origin: germline.
Comment: The c.3528C>A (p.Y1176*) alteration, located in exon 19 (coding exon 18) of the POGZ gene, consists of a C to A substitution at nucleotide position 3528. This changes the amino acid from a tyrosine (Y) to a stop codon at amino acid position 1176. Premature stop codons are typically deleterious in nature (Richards, 2015). This alteration occurs at the 3' terminus of the POGZ gene, is not expected to trigger nonsense-mediated mRNA decay, and only impacts the last 12% (17 AAs) of the protein. However, premature stop codons are typically deleterious in nature and the impacted region is critical for protein function as it removes a region of functional importance, which includes the DDE domain and integrase domain-binding motif (Ambry Internal Data). Based on the available evidence, this alteration is classified as likely pathogenic.

NM_015100.4(POGZ):c.3528C>A (p.Tyr1176Ter)

Gene: POGZ (pogo transposable element derived with ZNF domain; minus strand). Cytogenetic location: 1q21.3.
Variant type: single nucleotide variant.
Coding change: c.3528C>A on transcript NM_015100.4 (MANE Select); coding-DNA position 3528, C replaced by A.
Protein change: p.Tyr1176Ter; replaces tyrosine 1176 with a stop codon.
Molecular consequence: nonsense.
Genome position (GRCh38, 1-based): chr1:151,405,507, G>T on the plus strand (C>A on the coding strand, the complement: POGZ is on the minus strand). VCF-style: chr1-151405507-G-T. GRCh37 (hg19) VCF-style: chr1-151377983-G-T.
Other names: c.3501C>A, p.Tyr1167Ter (NM_001194937.2); c.3342C>A, p.Tyr1114Ter (NM_001194938.2); c.3549C>A, p.Tyr1183Ter (NM_001410860.1); c.3243C>A, p.Tyr1081Ter (NM_145796.4); c.3369C>A, p.Tyr1123Ter (NM_207171.2); short protein forms Y1114*, Y1123*, Y1183*, Y1081*, Y1167*, Y1176*.
Identifiers: ClinVar variation 1732321 (VCV001732321.2), dbSNP rs2529200122, ClinGen allele CA341942203.